The following is an entry in ClinVar:

ClinVar aggregate classification (germline): Conflicting classifications of pathogenicity. Review status: criteria provided, conflicting classifications (1 of 4 stars). 2 submissions from 2 submitters: Uncertain significance (1); Likely benign (1). Last evaluated 2025-03-26.

Conditions:
Desmin-related myofibrillar myopathy (MFM1). Also called: Myofibrillar myopathy 1; MYOFIBRILLAR MYOPATHY WITH ARRHYTHMOGENIC RIGHT VENTRICULAR CARDIOMYOPATHY; DESMIN-RELATED MYOPATHY WITH ARRHYTHMOGENIC RIGHT VENTRICULAR CARDIOMYOPATHY; Desminopathy; Desmin related myopathy (former name); Desmin storage myopathy (former name). Identifiers: Orphanet 363543, Orphanet 98909, MedGen C1832370, MONDO:0011076, OMIM 601419.

Allele frequency attached by ClinVar (database versions not stated): TOPMed below 0.00001; gnomAD 0.00001.
gnomAD v4.1: 1 of 1,562,666 alleles (0.000064%); highest among the groups gnomAD compares: Non-Finnish European, 0.000087%; no homozygotes.

Submissions (2):

Labcorp Genetics (formerly Invitae), Labcorp
Classification: Likely benign for Desmin-related myofibrillar myopathy. Last evaluated: 2025-03-26. Review status: criteria provided, single submitter. Criteria: Invitae Variant Classification Sherloc (09022015). Collection method: clinical testing. Allele origin: germline.

GeneDx
Classification: Uncertain significance. Last evaluated: 2023-02-01. Review status: criteria provided, single submitter. Criteria: GeneDx Variant Classification Process June 2021. Collection method: clinical testing. Allele origin: germline. Affected: yes.
Comment: Not observed at significant frequency in large population cohorts (gnomAD); In silico analysis supports that this variant does not alter splicing; Has not been previously published as pathogenic or benign to our knowledge

NM_001927.4(DES):c.300G>A (p.Glu100=)

Gene: DES (desmin; plus strand). Cytogenetic location: 2q35.
Variant type: single nucleotide variant.
Coding change: c.300G>A on transcript NM_001927.4 (MANE Select); coding-DNA position 300, G replaced by A.
Protein change: p.Glu100=; no amino-acid change (glutamic acid 100 retained).
Molecular consequence: synonymous variant.
Genome position (GRCh38, 1-based): chr2:219,418,762, G>A. VCF-style: chr2-219418762-G-A. GRCh37 (hg19) VCF-style: chr2-220283484-G-A.
Other names: c.300G>A, p.Glu100= (NM_001382708.1, NM_001382709.1, NM_001382710.1 and 3 more transcripts); c.300G>A (NM_001927.3).
Identifiers: ClinVar variation 1590313 (VCV001590313.9), dbSNP rs1339030541, ClinGen allele CA431427465.
Genomic context (GRCh38, chr2:219,418,762, plus strand): 5'-CTCCTCCTACGGCGCAGGCGAGCTGCTGGACTTCTCACTGGCCGACGCGGTGAACCAGGA[G>A]TTTCTGACCACGCGCACCAACGAGAAGGTGGAGCTGCAGGAGCTCAATGACCGCTTCGCC-3'
Protein context (NP_001918.3, residues 90-110): DFSLADAVNQ[Glu100=]FLTTRTNEKV